The following is an entry in ClinVar:

NM_006767.4(LZTR1):c.1750G>A (p.Glu584Lys)

Gene: LZTR1 (leucine zipper like post translational regulator 1; plus strand). Cytogenetic location: 22q11.21.
Variant type: single nucleotide variant.
Coding change: c.1750G>A on transcript NM_006767.4 (MANE Select); coding-DNA position 1750, G replaced by A.
Protein change: p.Glu584Lys; replaces glutamic acid 584 with lysine.
Molecular consequence: missense variant.
Genome position (GRCh38, 1-based): chr22:20,994,692, G>A. VCF-style: chr22-20994692-G-A. GRCh37 (hg19) VCF-style: chr22-21348981-G-A.
Other names: short protein forms E584K.
Identifiers: ClinVar variation 373604 (VCV000373604.10), dbSNP rs369697241, ClinGen allele CA10119045.

ClinVar aggregate classification (germline): Uncertain significance. Review status: criteria provided, multiple submitters, no conflicts (2 of 4 stars). 4 submissions from 4 submitters: Uncertain significance (4). Last evaluated 2025-12-22.

Conditions:
Hereditary cancer-predisposing syndrome. Also called: Tumor predisposition; Hereditary neoplastic syndrome; Neoplastic Syndromes, Hereditary; Hereditary Cancer Syndrome. Identifiers: Orphanet 140162, MedGen C0027672, MeSH D009386, MONDO:0015356.
Cardiovascular phenotype. Identifiers: MedGen CN230736.
Noonan syndrome 10 (NS10). Identifiers: Orphanet 648, MedGen C4225280, MONDO:0014693, OMIM 616564.

Allele frequency attached by ClinVar (database versions not stated): gnomAD 0.00001; TOPMed 0.00003; ESP Exome Variant Server 0.00008.
gnomAD v4.1: 55 of 1,612,492 alleles (0.0034%); highest among the groups gnomAD compares: Admixed American, 0.0067%; 1 homozygote.

Submissions (4):

Labcorp Genetics (formerly Invitae), Labcorp
Classification: Uncertain significance. Last evaluated: 2025-12-22. Review status: criteria provided, single submitter. Criteria: Invitae Variant Classification Sherloc (09022015). Collection method: clinical testing. Allele origin: germline.
Comment: This sequence change replaces glutamic acid, which is acidic and polar, with lysine, which is basic and polar, at codon 584 of the LZTR1 protein (p.Glu584Lys). This variant is present in population databases (rs369697241, gnomAD 0.009%). This variant has not been reported in the literature in individuals affected with LZTR1-related conditions. ClinVar contains an entry for this variant (Variation ID: 373604). Invitae Evidence Modeling of protein sequence and biophysical properties (such as structural, functional, and spatial information, amino acid conservation, physicochemical variation, residue mobility, and thermodynamic stability) indicates that this missense variant is not expected to disrupt LZTR1 protein function with a negative predictive value of 80%. In summary, the available evidence is currently insufficient to determine the role of this variant in disease. Therefore, it has been classified as a Variant of Uncertain Significance.

Ambry Genetics
Classification: Uncertain significance for Cardiovascular phenotype; Hereditary cancer-predisposing syndrome. Last evaluated: 2025-06-09. Review status: criteria provided, single submitter. Criteria: Ambry Variant Classification Scheme 2023. Collection method: clinical testing. Allele origin: germline.
Comment: The p.E584K variant (also known as c.1750G>A), located in coding exon 15 of the LZTR1 gene, results from a G to A substitution at nucleotide position 1750. The glutamic acid at codon 584 is replaced by lysine, an amino acid with similar properties. This amino acid position is highly conserved in available vertebrate species. In addition, this alteration is predicted to be deleterious by in silico analysis. Based on the available evidence, the clinical significance of this variant remains unclear.

St. Jude Molecular Pathology, St. Jude Children's Research Hospital
Classification: Uncertain significance for Noonan syndrome 10. Last evaluated: 2023-08-01. Review status: criteria provided, single submitter. Criteria: St. Jude Assertion Criteria 2020. Collection method: clinical testing. Allele origin: germline.
Comment: The LZTR1 c.1750G>A (p.Glu584Lys) missense variant has a maximum frequency of 0.011% in gnomAD v2.1.1. The in silico tool REVEL is inconclusive about a pathogenic or benign effect of this variant on protein function, and functional studies have not been performed. This variant has not been reported in individuals with Noonan syndrome or schwannomatosis. In summary, the evidence currently available is insufficient to determine the clinical significance of this variant. It has therefore been classified as of uncertain significance.??

GeneDx
Classification: Uncertain significance. Last evaluated: 2016-11-28. Review status: criteria provided, single submitter. Criteria: GeneDx Variant Classification (06012015). Collection method: clinical testing. Allele origin: germline. Affected: yes.
Comment: The E584K variant has not been published as a pathogenic variant, nor has it been reported as a benign variant to our knowledge. The NHLBI Exome Sequencing Project reports E584K was observed in 1 of 4404 (0.0227%) alleles from individuals of African American background, indicating it may be a rare variant in this population. E584K is a non-conservative amino acid substitution, which is likely to impact secondary protein structure as these residues differ in polarity, charge, size and/or other properties. This substitution occurs at a position that is conserved across species, yet in silico analysis is inconsistent in its predictions as to whether or not the variant is damaging to the protein structure/function. Additionally, no missense variants in nearby residues have been reported in the Human Gene Mutation Database in association with a RASopathy (Stenson et al., 2014). Therefore, based on the currently available information, it is unclear whether this variant is pathogenic or a rare benign variant.